The following is an entry in ClinVar:

NM_002470.4(MYH3):c.1052A>G (p.Tyr351Cys)

Gene: MYH3 (myosin heavy chain 3; minus strand). Cytogenetic location: 17p13.1.
Variant type: single nucleotide variant.
Coding change: c.1052A>G on transcript NM_002470.4 (MANE Select); coding-DNA position 1052, A replaced by G.
Protein change: p.Tyr351Cys; replaces tyrosine 351 with cysteine.
Molecular consequence: missense variant.
Genome position (GRCh38, 1-based): chr17:10,645,796, T>C on the plus strand (A>G on the coding strand, the complement: MYH3 is on the minus strand). VCF-style: chr17-10645796-T-C. GRCh37 (hg19) VCF-style: chr17-10549113-T-C.
Other names: short protein forms Y351C.
Identifiers: ClinVar variation 2011223 (VCV002011223.4), dbSNP rs2508626114, ClinGen allele CA398176383.

ClinVar aggregate classification (germline): Uncertain significance (1 of 4 stars; one submission).

Submission:

Labcorp Genetics (formerly Invitae), Labcorp
Classification: Uncertain significance. Last evaluated: 2024-11-11. Review status: criteria provided, single submitter. Criteria: Invitae Variant Classification Sherloc (09022015). Collection method: clinical testing. Allele origin: germline.
Comment: This sequence change replaces tyrosine, which is neutral and polar, with cysteine, which is neutral and slightly polar, at codon 351 of the MYH3 protein (p.Tyr351Cys). This variant is not present in population databases (gnomAD no frequency). This variant has not been reported in the literature in individuals affected with MYH3-related conditions. ClinVar contains an entry for this variant (Variation ID: 2011223). Invitae Evidence Modeling of protein sequence and biophysical properties (such as structural, functional, and spatial information, amino acid conservation, physicochemical variation, residue mobility, and thermodynamic stability) indicates that this missense variant is expected to disrupt MYH3 protein function with a positive predictive value of 80%. In summary, the available evidence is currently insufficient to determine the role of this variant in disease. Therefore, it has been classified as a Variant of Uncertain Significance.